The following is an entry in ClinVar:

NM_001163809.2(WDR81):c.2960T>C (p.Phe987Ser)

Gene: WDR81 (WD repeat domain 81; plus strand). Cytogenetic location: 17p13.3.
Variant type: single nucleotide variant.
Coding change: c.2960T>C on transcript NM_001163809.2 (MANE Select); coding-DNA position 2960, T replaced by C.
Protein change: p.Phe987Ser; replaces phenylalanine 987 with serine.
Molecular consequence: missense variant. On other transcripts: intron variant (3).
Genome position (GRCh38, 1-based): chr17:1,727,919, T>C. VCF-style: chr17-1727919-T-C. GRCh37 (hg19) VCF-style: chr17-1631213-T-C.
Other names: c.-123-71T>C (NM_152348.4); c.59-2461T>C (NM_001163673.2); c.-14-2461T>C (NM_001163811.2); short protein forms F987S.
Identifiers: ClinVar variation 4532524 (VCV004532524.1).

ClinVar aggregate classification (germline): Uncertain significance (1 of 4 stars; one submission).

Submission:

GeneDx
Classification: Uncertain significance. Last evaluated: 2025-05-25. Review status: criteria provided, single submitter. Criteria: GeneDx Variant Classification Process June 2021. Collection method: clinical testing. Allele origin: germline. Affected: yes.
Comment: Not observed at significant frequency in large population cohorts (gnomAD); In silico analysis supports that this missense variant has a deleterious effect on protein structure/function; Has not been previously published as pathogenic or benign to our knowledge